The following is an entry in ClinVar:

ClinVar aggregate classification (germline): Conflicting classifications of pathogenicity. Review status: criteria provided, conflicting classifications (1 of 4 stars). 5 submissions from 5 submitters: Uncertain significance (2); Likely benign (2). 1 of the submissions does not count toward it. Last evaluated 2026-03-01.

Conditions:
Duchenne muscular dystrophy (DMD). Also called: Duchenne Muscular Dystrophy (DMD); MUSCULAR DYSTROPHY, PSEUDOHYPERTROPHIC PROGRESSIVE, DUCHENNE TYPE. Identifiers: Orphanet 98896, MedGen C0013264, MONDO:0010679, OMIM 310200.
Becker muscular dystrophy (BMD). Also called: MUSCULAR DYSTROPHY, PSEUDOHYPERTROPHIC PROGRESSIVE, BECKER TYPE; Becker Muscular Dystrophy (BMD). Identifiers: Orphanet 98895, MedGen C0917713, MONDO:0010311, OMIM 300376.
Cardiomyopathy (CMYO). Also called: Cardiomyopathies. Identifiers: Orphanet 167848, MedGen C0878544, MONDO:0004994, HP:0001638. Inheritance: Various modes of inheritance.
Dystrophin deficiency.
Cardiovascular phenotype. Identifiers: MedGen CN230736.

Allele frequency attached by ClinVar (database versions not stated): TOPMed 0.00001; gnomAD exomes 0.00002 and 0.00001; ExAC 0.00003; ESP Exome Variant Server 0.00009; 1000 Genomes Project 30x 0.00021; 1000 Genomes Project 0.00026; gnomAD 0.00001.
gnomAD v4.1: 15 of 1,209,869 alleles (0.0012%); highest among the groups gnomAD compares: South Asian, 0.012%; no homozygotes.

Submissions (5):

CeGaT Center for Human Genetics Tuebingen
Classification: Likely benign. Last evaluated: 2026-03-01. Review status: criteria provided, single submitter. Criteria: CeGaT Center For Human Genetics Tuebingen Variant Classification Criteria Version 2. Collection method: clinical testing. Allele origin: germline. Affected: yes. Observed: 1 variant allele.
Comment: DMD: BP4, BS2

Labcorp Genetics (formerly Invitae), Labcorp
Classification: Likely benign for Duchenne muscular dystrophy. Last evaluated: 2025-10-09. Review status: criteria provided, single submitter. Criteria: Invitae Variant Classification Sherloc (09022015). Collection method: clinical testing. Allele origin: germline.

Ambry Genetics
Classification: Uncertain significance for Cardiovascular phenotype. Last evaluated: 2018-10-05. Review status: criteria provided, single submitter. Criteria: Ambry Variant Classification Scheme 2023. Collection method: clinical testing. Allele origin: germline.
Comment: The p.V2995I variant (also known as c.8983G>A), located in coding exon 60 of the DMD gene, results from a G to A substitution at nucleotide position 8983. The valine at codon 2995 is replaced by isoleucine, an amino acid with highly similar properties. This amino acid position is well conserved in available vertebrate species; however, isoleucine is the reference amino acid in other vertebrate species. In addition, this alteration is predicted to be tolerated by in silico analysis. Since supporting evidence is limited at this time, the clinical significance of this alteration remains unclear.

Stanford Center for Inherited Cardiovascular Disease, Stanford University
Classification: Uncertain significance. Last evaluated: 2017-04-28. Review status: criteria provided, single submitter. Criteria: ACMG Guidelines, 2015. Collection method: provider interpretation. Allele origin: germline.

Natera, Inc.
Classification: Uncertain significance for Becker muscular dystrophy; Cardiomyopathy; Duchenne muscular dystrophy; Dystrophin deficiency. Last evaluated: 2018-09-22. Review status: no assertion criteria provided. Collection method: clinical testing. Allele origin: germline. Not counted in ClinVar's aggregate classification.

NM_004006.3(DMD):c.8983G>A (p.Val2995Ile)

Gene: DMD (dystrophin; minus strand). Cytogenetic location: Xp21.2.
Variant type: single nucleotide variant.
Coding change: c.8983G>A on transcript NM_004006.3 (MANE Select); coding-DNA position 8983, G replaced by A.
Protein change: p.Val2995Ile; replaces valine 2995 with isoleucine.
Molecular consequence: missense variant.
Genome position (GRCh38, 1-based): chrX:31,444,582, C>T on the plus strand (G>A on the coding strand, the complement: DMD is on the minus strand). VCF-style: chrX-31444582-C-T. GRCh37 (hg19) VCF-style: chrX-31462699-C-T.
Other names: c.8959G>A, p.Val2987Ile (NM_000109.4); c.8971G>A, p.Val2991Ile (NM_004009.3); c.8614G>A, p.Val2872Ile (NM_004010.3); c.4960G>A, p.Val1654Ile (NM_004011.4); c.4951G>A, p.Val1651Ile (NM_004012.4); c.1603G>A, p.Val535Ile (NM_004013.3, NM_004020.4, NM_004021.3 and 2 more transcripts); c.796G>A, p.Val266Ile (NM_004014.3); short protein forms V2995I, V266I, V2872I, V1654I, V2991I, V535I, V1651I, V2987I.
Identifiers: ClinVar variation 455944 (VCV000455944.14), dbSNP rs148643665, ClinGen allele CA10377941.